The following is an entry in ClinVar:

ClinVar aggregate classification (germline): Uncertain significance (1 of 4 stars; one submission).

Conditions:
Frontotemporal dementia and/or amyotrophic lateral sclerosis 1 (FTDALS1). Also called: Frontotemporal dementia with motor neuron disease 1; C9orf72 Frontotemporal Dementia and/or Amyotrophic Lateral Sclerosis. Identifiers: Orphanet 275872, MedGen C5779877, MONDO:0007105, OMIM 105550.
Paget disease of bone 2, early-onset (PDB2). Also called: Paget disease of bone 2. Identifiers: MedGen C4085251, MONDO:0011183, OMIM 602080.

Submission:

Labcorp Genetics (formerly Invitae), Labcorp
Classification: Uncertain significance for Paget disease of bone 2, early-onset; Frontotemporal dementia and/or amyotrophic lateral sclerosis 1. Last evaluated: 2024-12-24. Review status: criteria provided, single submitter. Criteria: Invitae Variant Classification Sherloc (09022015). Collection method: clinical testing. Allele origin: germline.
Comment: This variant, c.880_891del, results in the deletion of 4 amino acid(s) of the SQSTM1 protein (p.Ser294_Gly297del), but otherwise preserves the integrity of the reading frame. This variant is not present in population databases (gnomAD no frequency). This variant has not been reported in the literature in individuals affected with SQSTM1-related conditions. Experimental studies and prediction algorithms are not available or were not evaluated, and the functional significance of this variant is currently unknown. In summary, the available evidence is currently insufficient to determine the role of this variant in disease. Therefore, it has been classified as a Variant of Uncertain Significance.

NM_003900.5(SQSTM1):c.880_891del (p.Ser294_Gly297del)

Gene: SQSTM1 (sequestosome 1; plus strand). Cytogenetic location: 5q35.3.
Variant type: Deletion.
Coding change: c.880_891del on transcript NM_003900.5 (MANE Select); coding-DNA positions 880 to 891, 12 bases deleted (AGCAAGCCGGGT).
Protein change: p.Ser294_Gly297del.
Molecular consequence: inframe deletion.
Genome position (GRCh38, 1-based): chr5:179,833,157-179,833,168, AGCAAGCCGGGT deleted. VCF-style (leftmost placement, unchanged base first): chr5-179833156-CAGCAAGCCGGGT-C. GRCh37 (hg19) VCF-style: chr5-179260156-CAGCAAGCCGGGT-C.
Other names: c.628_639del, p.Ser210_Gly213del (NM_001142298.2, NM_001142299.2).
Identifiers: ClinVar variation 3761926 (VCV003761926.2).